The following is an entry in ClinVar:

NM_001376013.1(EPB41):c.730A>C (p.Asn244His)

Gene: EPB41 (erythrocyte membrane protein band 4.1; plus strand). Cytogenetic location: 1p35.3.
Variant type: single nucleotide variant.
Coding change: c.730A>C on transcript NM_001376013.1 (MANE Select); coding-DNA position 730, A replaced by C.
Protein change: p.Asn244His; replaces asparagine 244 with histidine.
Molecular consequence: missense variant. On other transcripts: intron variant (1).
Genome position (GRCh38, 1-based): chr1:28,997,263, A>C. VCF-style: chr1-28997263-A-C. GRCh37 (hg19) VCF-style: chr1-29323775-A-C.
Other names: c.730A>C, p.Asn244His (NM_001166005.2, NM_001166006.2, NM_001376014.1 and 7 more transcripts); c.103A>C, p.Asn35His (NM_001166007.2, NM_001376022.1, NM_001376023.1 and 7 more transcripts); c.681+3721A>C (NM_203343.3); short protein forms N244H, N35H.
Identifiers: ClinVar variation 2579947 (VCV002579947.1), dbSNP rs2096201745, ClinGen allele CA339525392.
Genomic context (GRCh38, chr1:28,997,263, plus strand): 5'-ATATCTTTGCAGAAACATGCTAAGGGACAAGATTTGCTTAAACGAGTATGTGAGCATCTC[A>C]ATCTTTTGGAAGAAGACTATTTTGGTCTAGCCATTTGGGATAACGCAACCTCTAAGGTGA-3'
Protein context (NP_001362942.1, residues 234-254): DLLKRVCEHL[Asn244His]LLEEDYFGLA

ClinVar aggregate classification (germline): Uncertain significance (1 of 4 stars; one submission).

Allele frequency attached by ClinVar (database versions not stated): TOPMed below 0.00001.

Submission:

GeneDx
Classification: Uncertain significance. Last evaluated: 2023-03-14. Review status: criteria provided, single submitter. Criteria: GeneDx Variant Classification Process June 2021. Collection method: clinical testing. Allele origin: germline. Affected: yes.
Comment: Not observed at significant frequency in large population cohorts (gnomAD); In silico analysis supports that this missense variant has a deleterious effect on protein structure/function; Has not been previously published as pathogenic or benign to our knowledge